The following is an entry in ClinVar:

NM_001005271.3(CHD3):c.107T>A (p.Val36Glu)

Genes: CHD3 (chromodomain helicase DNA binding protein 3; plus strand), NAA38 (N-alpha-acetyltransferase 38, NatC auxiliary subunit; minus strand). Cytogenetic location: 17p13.1.
Variant type: single nucleotide variant.
Coding change: c.107T>A on transcript NM_001005271.3; coding-DNA position 107, T replaced by A.
Protein change: p.Val36Glu; replaces valine 36 with glutamic acid.
Molecular consequence: missense variant. On other transcripts: intron variant (1).
Genome position (GRCh38, 1-based): chr17:7,884,913, T>A. VCF-style: chr17-7884913-T-A. GRCh37 (hg19) VCF-style: chr17-7788231-T-A.
Other names: c.107T>A, p.Val36Glu (NM_001437504.1, NM_001437507.1, NM_001437508.1 and 1 more transcripts); c.-167+252A>T (NM_001330111.2); short protein forms V36E.
Identifiers: ClinVar variation 3342761 (VCV003342761.1).

ClinVar aggregate classification (germline): Uncertain significance (1 of 4 stars; one submission).

Submission:

GeneDx
Classification: Uncertain significance. Last evaluated: 2023-11-14. Review status: criteria provided, single submitter. Criteria: GeneDx Variant Classification Process June 2021. Collection method: clinical testing. Allele origin: germline. Affected: yes.
Comment: Not observed at significant frequency in large population cohorts (gnomAD); In silico analysis supports that this missense variant does not alter protein structure/function; Has not been previously published as pathogenic or benign to our knowledge